The following is an entry in ClinVar:

NM_173630.4(RTTN):c.2481+18G>T

Gene: RTTN (rotatin; minus strand). Cytogenetic location: 18q22.2.
Variant type: single nucleotide variant.
Coding change: c.2481+18G>T on transcript NM_173630.4 (MANE Select); 18 bases into the intron after coding-DNA position 2481, G replaced by T.
Molecular consequence: intron variant.
Genome position (GRCh38, 1-based): chr18:70,145,594, C>A on the plus strand (G>T on the coding strand, the complement: RTTN is on the minus strand). VCF-style: chr18-70145594-C-A. GRCh37 (hg19) VCF-style: chr18-67812830-C-A.
Other names: c.-167+18G>T (NM_001318520.2).
Identifiers: ClinVar variation 388322 (VCV000388322.4), dbSNP rs746996156, ClinGen allele CA8995879.
Genomic context (GRCh38, chr18:70,145,594, plus strand): 5'-GAAGAATGTCACATAAAATACATGATATAAAAATGTATCAAATTACCACACAGTAATAAA[C>A]TCAAAATTTATAGTCACCTTAATAACCAGCTCTCTTCTGTCATCCAGTCTGAGTTCAATA-3'

ClinVar aggregate classification (germline): Likely benign. Review status: criteria provided, multiple submitters, no conflicts (2 of 4 stars). 2 submissions from 2 submitters: Likely benign (2). Last evaluated 2025-09-10.

Allele frequency attached by ClinVar (database versions not stated): TOPMed 0.00005; gnomAD exomes 0.00012 and 0.00015; ExAC 0.00019.
gnomAD v4.1: 220 of 1,558,846 alleles (0.014%); highest among the groups gnomAD compares: South Asian, 0.018%; no homozygotes.

Submissions (2):

Labcorp Genetics (formerly Invitae), Labcorp
Classification: Likely benign. Last evaluated: 2025-09-10. Review status: criteria provided, single submitter. Criteria: Invitae Variant Classification Sherloc (09022015). Collection method: clinical testing. Allele origin: germline.

GeneDx
Classification: Likely benign. Last evaluated: 2016-08-03. Review status: criteria provided, single submitter. Criteria: GeneDx Variant Classification (06012015). Collection method: clinical testing. Allele origin: germline. Affected: yes.
Comment: This variant is considered likely benign or benign based on one or more of the following criteria: it is a conservative change, it occurs at a poorly conserved position in the protein, it is predicted to be benign by multiple in silico algorithms, and/or has population frequency not consistent with disease.